The following is an entry in ClinVar:

NC_000016.9:g.(?_160503)_(160624_?)del

Gene: NPRL3 (NPR3 like, GATOR1 complex subunit; minus strand). Cytogenetic location: 16p13.3.
Variant type: Deletion.
Identifiers: ClinVar variation 1460337 (VCV001460337.5).

ClinVar aggregate classification (germline): Pathogenic (1 of 4 stars; one submission).

Conditions:
Epilepsy, familial focal, with variable foci 3 (FFEVF3). Identifiers: MedGen C4310708, MONDO:0014925, OMIM 617118.

Submission:

Labcorp Genetics (formerly Invitae), Labcorp
Classification: Pathogenic for Epilepsy, familial focal, with variable foci 3. Last evaluated: 2023-12-21. Review status: criteria provided, single submitter. Criteria: Invitae Variant Classification Sherloc (09022015). Collection method: clinical testing. Allele origin: germline.
Comment: This variant is a gross deletion of the genomic region encompassing exon(s) 7 of the NPRL3 gene. This deletion is out-of-frame, and is expected to create a premature termination codon and result in an absent or disrupted protein product. Loss-of-function variants in NPRL3 are known to be pathogenic (PMID: 26285051, 26505888). This variant has not been reported in the literature in individuals affected with NPRL3-related conditions. For these reasons, this variant has been classified as Pathogenic.

Literature cited by the submitters: PubMed 26285051; PubMed 26505888.